The following is an entry in ClinVar:

NM_005739.4(RASGRP1):c.1172G>C (p.Ser391Thr)

Gene: RASGRP1 (RAS guanyl releasing protein 1; minus strand). Cytogenetic location: 15q14.
Variant type: single nucleotide variant.
Coding change: c.1172G>C on transcript NM_005739.4 (MANE Select); coding-DNA position 1172, G replaced by C.
Protein change: p.Ser391Thr; replaces serine 391 with threonine.
Molecular consequence: missense variant.
Genome position (GRCh38, 1-based): chr15:38,507,796, C>G on the plus strand (G>C on the coding strand, the complement: RASGRP1 is on the minus strand). VCF-style: chr15-38507796-C-G. GRCh37 (hg19) VCF-style: chr15-38799997-C-G.
Other names: c.1172G>C, p.Ser391Thr (NM_001128602.2, NM_001306086.2); short protein forms S391T.
Identifiers: ClinVar variation 2992032 (VCV002992032.3), dbSNP rs753411664, ClinGen allele CA7470948.

ClinVar aggregate classification (germline): Uncertain significance (1 of 4 stars; one submission).

Allele frequency attached by ClinVar (database versions not stated): gnomAD 0.00001; ExAC 0.00002; gnomAD exomes 0.00002.
gnomAD v4.1: 32 of 1,611,060 alleles (0.002%); highest among the groups gnomAD compares: Non-Finnish European, 0.0026%; no homozygotes.

Submission:

Labcorp Genetics (formerly Invitae), Labcorp
Classification: Uncertain significance. Last evaluated: 2024-10-16. Review status: criteria provided, single submitter. Criteria: Invitae Variant Classification Sherloc (09022015). Collection method: clinical testing. Allele origin: germline.
Comment: This sequence change replaces serine, which is neutral and polar, with threonine, which is neutral and polar, at codon 391 of the RASGRP1 protein (p.Ser391Thr). This variant is present in population databases (rs753411664, gnomAD 0.002%). This variant has not been reported in the literature in individuals affected with RASGRP1-related conditions. Invitae Evidence Modeling of protein sequence and biophysical properties (such as structural, functional, and spatial information, amino acid conservation, physicochemical variation, residue mobility, and thermodynamic stability) indicates that this missense variant is not expected to disrupt RASGRP1 protein function with a negative predictive value of 80%. In summary, the available evidence is currently insufficient to determine the role of this variant in disease. Therefore, it has been classified as a Variant of Uncertain Significance.